The following is an entry in ClinVar:

NM_001378454.1(ALMS1):c.5990A>G (p.Lys1997Arg)

Gene: ALMS1 (ALMS1 centrosome and basal body associated protein; plus strand). Cytogenetic location: 2p13.1.
Variant type: single nucleotide variant.
Coding change: c.5990A>G on transcript NM_001378454.1 (MANE Select); coding-DNA position 5990, A replaced by G.
Protein change: p.Lys1997Arg; replaces lysine 1997 with arginine.
Molecular consequence: missense variant.
Genome position (GRCh38, 1-based): chr2:73,452,517, A>G. VCF-style: chr2-73452517-A-G. GRCh37 (hg19) VCF-style: chr2-73679644-A-G.
Other names: c.5993A>G, p.Lys1998Arg (NM_015120.4); short protein forms K1998R, K1997R.
Identifiers: ClinVar variation 393374 (VCV000393374.16), dbSNP rs150331660, ClinGen allele CA1713977.

ClinVar aggregate classification (germline): Conflicting classifications of pathogenicity. Review status: criteria provided, conflicting classifications (1 of 4 stars). 8 submissions from 8 submitters: Uncertain significance (4); Likely benign (1). 3 of the submissions do not count toward it. Last evaluated 2024-09-08.

Conditions:
Cardiovascular phenotype. Identifiers: MedGen CN230736.
Monogenic diabetes. Identifiers: Orphanet 183625, MedGen C3888631, MONDO:0015967.
Retinal dystrophy. Also called: Inherited retinal dystrophy. Identifiers: Orphanet 71862, MedGen C0854723, MeSH D058499, MONDO:0019118, HP:0000556.
Alstrom syndrome (ALMS). Identifiers: Orphanet 64, MedGen C0268425, MONDO:0008763, OMIM 203800.

Allele frequency attached by ClinVar (database versions not stated): gnomAD exomes 0.00001 and 0.00002; ExAC 0.00003; TOPMed 0.00006; gnomAD 0.00009 and 0.00011; 1000 Genomes Project 30x 0.00016; 1000 Genomes Project 0.00020.
gnomAD v4.1: 24 of 1,614,100 alleles (0.0015%); highest among the groups gnomAD compares: African/African-American, 0.027%; no homozygotes.

Submissions (8):

Ambry Genetics
Classification: Likely benign for Cardiovascular phenotype. Last evaluated: 2024-09-08. Review status: criteria provided, single submitter. Criteria: Ambry Variant Classification Scheme 2023. Collection method: clinical testing. Allele origin: germline.

Labcorp Genetics (formerly Invitae), Labcorp
Classification: Uncertain significance for Alstrom syndrome. Last evaluated: 2022-09-06. Review status: criteria provided, single submitter. Criteria: Invitae Variant Classification Sherloc (09022015). Collection method: clinical testing. Allele origin: germline.
Comment: This sequence change replaces lysine, which is basic and polar, with arginine, which is basic and polar, at codon 1998 of the ALMS1 protein (p.Lys1998Arg). This variant is present in population databases (rs150331660, gnomAD 0.03%). This variant has not been reported in the literature in individuals affected with ALMS1-related conditions. ClinVar contains an entry for this variant (Variation ID: 393374). Algorithms developed to predict the effect of missense changes on protein structure and function output the following: SIFT: "Not Available"; PolyPhen-2: "Not Available"; Align-GVGD: "Not Available". The arginine amino acid residue is found in multiple mammalian species, which suggests that this missense change does not adversely affect protein function. In summary, the available evidence is currently insufficient to determine the role of this variant in disease. Therefore, it has been classified as a Variant of Uncertain Significance.

Blueprint Genetics
Classification: Uncertain significance. Last evaluated: 2022-09-02. Review status: criteria provided, single submitter. Criteria: ACMG Guidelines, 2015. Collection method: clinical testing. Allele origin: germline.

Personalized Diabetes Medicine Program, University of Maryland School of Medicine
Classification: Uncertain significance for Monogenic diabetes. Last evaluated: 2015-10-16. Review status: criteria provided, single submitter. Criteria: ACMG Guidelines, 2015. Collection method: research. Allele origin: unknown. Observed: 1 variant allele, 1 heterozygote.
Comment: ACMG Criteria: PP3, BP4

Clinical Genomics, Uppaluri K&H Personalized Medicine Clinic
Classification: Uncertain significance for Alstrom syndrome. Review status: criteria provided, single submitter. Criteria: K & H Uppaluri Personalized Medicine Clinic Variant Classification & Assertion Criteria_Updated V.1. Collection method: research. Allele origin: unknown. Inheritance: Autosomal recessive inheritance.
Comment: Potent mutations in ALMS1 are associated with a rare condition called Alstrom syndrome. It can cause excessive eating, insulin resistance. However, no evidence is found to ascertain the role of rs150331660 in Alstrom syndrome yet.

Institute of Human Genetics, Univ. Regensburg, Univ. Regensburg
Classification: Uncertain significance for Retinal dystrophy. Last evaluated: 2023-01-01. Review status: no assertion criteria provided. Criteria: ACMG Guidelines, 2015. Collection method: clinical testing. Allele origin: germline. Affected: yes. Not counted in ClinVar's aggregate classification.

Natera, Inc.
Classification: Uncertain significance for Alstrom syndrome. Last evaluated: 2021-01-07. Review status: no assertion criteria provided. Collection method: clinical testing. Allele origin: germline. Not counted in ClinVar's aggregate classification.

Counsyl
Classification: Uncertain significance for Alstrom syndrome. Last evaluated: 2017-02-28. Review status: no assertion criteria provided. Collection method: clinical testing. Allele origin: unknown. Not counted in ClinVar's aggregate classification.

Literature cited by the submitters: PubMed 34148947 (cited by Clinical Genomics, Uppaluri K&H Personalized Medicine Clinic); PubMed 25846608 (cited by Clinical Genomics, Uppaluri K&H Personalized Medicine Clinic); PubMed 30421101 (cited by Clinical Genomics, Uppaluri K&H Personalized Medicine Clinic); PubMed 33669459 (cited by Clinical Genomics, Uppaluri K&H Personalized Medicine Clinic).